The following is an entry in ClinVar:

NM_020822.3(KCNT1):c.2350-189G>A

Gene: KCNT1 (potassium sodium-activated channel subfamily T member 1; plus strand). Cytogenetic location: 9q34.3.
Variant type: single nucleotide variant.
Coding change: c.2350-189G>A on transcript NM_020822.3 (MANE Select); 189 bases into the intron before coding-DNA position 2350, G replaced by A.
Molecular consequence: intron variant.
Genome position (GRCh38, 1-based): chr9:135,777,149, G>A. VCF-style: chr9-135777149-G-A. GRCh37 (hg19) VCF-style: chr9-138668995-G-A.
Other names: c.2215-189G>A (NM_001272003.2).
Identifiers: ClinVar variation 672542 (VCV000672542.1), dbSNP rs369543918, ClinGen allele CA201479995.
Genomic context (GRCh38, chr9:135,777,149, plus strand): 5'-CATGTTCACATGGACACCGCCCTTTCCACCCCTGACATGACTGCTCTGTGCCGCCTGTGG[G>A]TACAGCTGTGGCATCTGGTGGTGCCTGTAGCTCCCCACAGGCGTGTGCAGGCCGTGAAAG-3'

ClinVar aggregate classification (germline): Likely benign (1 of 4 stars; one submission).

Allele frequency attached by ClinVar (database versions not stated): 1000 Genomes Project 30x 0.00297; 1000 Genomes Project 0.00339; TOPMed 0.00679; gnomAD 0.00847 and 0.00873.
gnomAD v4.1: 1,291 of 152,340 alleles (0.85%); highest among the groups gnomAD compares: Middle Eastern, 3.1%; 4 homozygotes.

Submission:

GeneDx
Classification: Likely benign. Last evaluated: 2018-06-14. Review status: criteria provided, single submitter. Criteria: GeneDx Variant Classification (06012015). Collection method: clinical testing. Allele origin: germline. Affected: yes.
Comment: This variant is considered likely benign or benign based on one or more of the following criteria: it is a conservative change, it occurs at a poorly conserved position in the protein, it is predicted to be benign by multiple in silico algorithms, and/or has population frequency not consistent with disease.